The following is an entry in ClinVar:

ClinVar aggregate classification (germline): Pathogenic (1 of 4 stars; one submission).

Conditions:
Generalized juvenile polyposis/juvenile polyposis coli. Also called: Juvenile polyposis coli. Identifiers: Orphanet 329971, MedGen C1868081, MONDO:0008276.

Submission:

Labcorp Genetics (formerly Invitae), Labcorp
Classification: Pathogenic for Juvenile polyposis syndrome. Last evaluated: 2018-05-07. Review status: criteria provided, single submitter. Criteria: Invitae Variant Classification Sherloc (09022015). Collection method: clinical testing. Allele origin: germline.
Comment: This variant is a gross deletion of the genomic region encompassing exons 11-12 of the SMAD4 gene. The 5' boundary is likely confined to intron 10. The 3' end of this event is unknown as it extends through the termination codon beyond the assayed region for this gene and may encompass additional genes. While this deletion is not anticipated to result in nonsense mediated decay, it is expected to create a truncated protein product or disrupt mRNA translation. Deletion of exon 11-12 has not been reported in the literature in individuals with SMAD4-related disease. A different truncation (p.His530Thrfs*47) that lies downstream of this deletion has been determined to be pathogenic (PMID: 18178612, Invitae). This suggests that deletion of this region of the SMAD4 protein is causative of disease. For these reasons, this variant has been classified as Pathogenic.

Literature cited by the submitters: PubMed 18178612.

NC_000018.10:g.(?_51076628)_(51078477_?)del

Gene: SMAD4 (SMAD family member 4; plus strand). Cytogenetic location: 18q21.2.
Variant type: Deletion.
Identifiers: ClinVar variation 583985 (VCV000583985.1).